The following is an entry in ClinVar:

NM_002291.3(LAMB1):c.2443C>A (p.Pro815Thr)

Gene: LAMB1 (laminin subunit beta 1; minus strand). Cytogenetic location: 7q31.1.
Variant type: single nucleotide variant.
Coding change: c.2443C>A on transcript NM_002291.3 (MANE Select); coding-DNA position 2443, C replaced by A.
Protein change: p.Pro815Thr; replaces proline 815 with threonine.
Molecular consequence: missense variant.
Genome position (GRCh38, 1-based): chr7:107,959,706, G>T on the plus strand (C>A on the coding strand, the complement: LAMB1 is on the minus strand). VCF-style: chr7-107959706-G-T. GRCh37 (hg19) VCF-style: chr7-107600151-G-T.
Other names: short protein forms P815T.
Identifiers: ClinVar variation 1494725 (VCV001494725.8), dbSNP rs1229043964, ClinGen allele CA368867963.

ClinVar aggregate classification (germline): Uncertain significance (1 of 4 stars; one submission).

Allele frequency attached by ClinVar (database versions not stated): gnomAD exomes below 0.00001.
gnomAD v4.1: 38 of 1,614,030 alleles (0.0024%); highest among the groups gnomAD compares: Non-Finnish European, 0.0032%; no homozygotes.

Submission:

Labcorp Genetics (formerly Invitae), Labcorp
Classification: Uncertain significance. Last evaluated: 2023-07-07. Review status: criteria provided, single submitter. Criteria: Invitae Variant Classification Sherloc (09022015). Collection method: clinical testing. Allele origin: germline.
Comment: This variant has not been reported in the literature in individuals affected with LAMB1-related conditions. This sequence change replaces proline, which is neutral and non-polar, with threonine, which is neutral and polar, at codon 815 of the LAMB1 protein (p.Pro815Thr). This variant is present in population databases (no rsID available, gnomAD 0.002%). ClinVar contains an entry for this variant (Variation ID: 1494725). An algorithm developed to predict the effect of missense changes on protein structure and function (PolyPhen-2) suggests that this variant is likely to be disruptive. In summary, the available evidence is currently insufficient to determine the role of this variant in disease. Therefore, it has been classified as a Variant of Uncertain Significance.